The following is an entry in ClinVar:

ClinVar aggregate classification (germline): Pathogenic (1 of 4 stars; one submission).

Conditions:
Congenital anomalies of kidney and urinary tract syndrome with or without hearing loss, abnormal ears, or developmental delay. Also called: Congenital Anomalies of the Kidney and Urinary Tract syndrome with or without Hearing Loss, Abnormal Ears, or Developmental Delay. Identifiers: Orphanet 656130, MedGen C4539968, MONDO:0060549, OMIM 617641.

Submission:

Department of Nephrology, Children's Hospital of Nanjing Medical University
Classification: Pathogenic for Congenital anomalies of kidney and urinary tract syndrome with or without hearing loss, abnormal ears, or developmental delay. Last evaluated: 2026-08-14. Review status: criteria provided, single submitter. Criteria: ACMG Guidelines, 2015. Collection method: research, in vitro. Allele origin: de novo, not applicable. Inheritance: Autosomal dominant inheritance. Affected: yes. Observed: 1 variant allele. Functional consequence: skipped exon.
Comment: According to the 2015 ACMG/AMP rule-based variant classification framework, with evidence strengths refined in accordance with the ClinGen Sequence Variant Interpretation (SVI) recommendations, the PBX1 NM_002585.4:c.192-20_192-7del variant was classified as Pathogenic based on PS2, PVS1(RNA)_Strong, and PM2_supporting. PVS1(RNA)_Strong: An in vitro minigene splicing assay demonstrated complete skipping of PBX1 exon 2 in the mutant construct, whereas exon 2 was retained in the wild-type construct. The aberrantly spliced transcript was confirmed by Sanger sequencing of RT-PCR products. Complete exon 2 skipping is predicted to disrupt the coding reading frame and result in a loss-of-function effect. Loss of function due to haploinsufficiency is an established disease mechanism for PBX1-related disorders. Therefore, in accordance with the ClinGen SVI recommendations for splice-altering variants, the experimentally demonstrated aberrant splicing was evaluated under PVS1(RNA) at the Strong level. PM2_supporting: The variant was absent from gnomAD v4.1.1. The corresponding genomic region showed adequate sequencing coverage, and multiple neighboring SNVs and small indels were detectable; however, the identical 14-bp deletion was not observed, supporting application of PM2_supporting. Taken together, under the 2015 ACMG/AMP rule-based combination criteria, PS2 + PVS1(RNA)_Strong + PM2_supporting support classification of PBX1 NM_002585.4:c.192-20_192-7del as Pathogenic.

NM_002585.4(PBX1):c.192-20_192-7del

Gene: PBX1 (PBX homeobox 1; plus strand). Cytogenetic location: 1q23.3.
Variant type: Deletion.
Coding change: c.192-20_192-7del on transcript NM_002585.4 (MANE Select); 20 bases into the intron before coding-DNA position 192 through 7 bases into the intron before coding-DNA position 192, 14 bases deleted (ATGTTGTTTCTTTC).
Molecular consequence: intron variant.
Genome position (GRCh38, 1-based): chr1:164,563,218-164,563,231, ATGTTGTTTCTTTC deleted; deleting any 14 consecutive bases within chr1:164,563,216-164,563,231 gives the same sequence; the c. name uses the placement nearest the transcript's 3' end. VCF-style (leftmost placement, unchanged base first): chr1-164563215-ATCATGTTGTTTCTT-A. GRCh37 (hg19) VCF-style: chr1-164532452-ATCATGTTGTTTCTT-A.
Other names: c.192-20_192-7del (NM_001353131.2, NM_001204961.2, NM_001204963.2); c.16+3205_16+3218del (NM_001353130.1).
Identifiers: ClinVar variation 4884873 (VCV004884873.1).